The following is an entry in ClinVar:

NM_000492.4(CFTR):c.1585-4A>G

Genes: CFTR (CF transmembrane conductance regulator; plus strand), LOC111674475 (CFTR intron 11 enhancer; plus strand). Cytogenetic location: 7q31.2.
Variant type: single nucleotide variant.
Coding change: c.1585-4A>G on transcript NM_000492.4 (MANE Select); 4 bases into the intron before coding-DNA position 1585, A replaced by G.
Molecular consequence: intron variant.
Genome position (GRCh38, 1-based): chr7:117,587,735, A>G. VCF-style: chr7-117587735-A-G. GRCh37 (hg19) VCF-style: chr7-117227789-A-G.
Identifiers: ClinVar variation 4751462 (VCV004751462.1).

ClinVar aggregate classification (germline): Uncertain significance (1 of 4 stars; one submission).

Conditions:
Cystic fibrosis (CF). Also called: MUCOVISCIDOSIS. Identifiers: Orphanet 586, MedGen C0010674, MONDO:0009061, OMIM 219700. Disease mechanism: loss of function.

gnomAD v4.1: 4 of 1,578,238 alleles (0.00025%); highest among the groups gnomAD compares: South Asian, 0.0044%; no homozygotes.

Submission:

Labcorp Genetics (formerly Invitae), Labcorp
Classification: Uncertain significance for Cystic fibrosis. Last evaluated: 2026-01-30. Review status: criteria provided, single submitter. Criteria: Invitae Variant Classification Sherloc (09022015). Collection method: clinical testing. Allele origin: germline.
Comment: This sequence change falls in intron 11 of the CFTR gene. It does not directly change the encoded amino acid sequence of the CFTR protein. This variant is present in population databases (no rsID available, gnomAD 0.003%). This variant has not been reported in the literature in individuals affected with CFTR-related conditions. Algorithms developed to predict the effect of sequence changes on RNA splicing suggest that this variant may disrupt the consensus splice site. In summary, the available evidence is currently insufficient to determine the role of this variant in disease. Therefore, it has been classified as a Variant of Uncertain Significance.